The following is an entry in ClinVar:

ClinVar aggregate classification (germline): Uncertain significance (1 of 4 stars; one submission).

Conditions:
Bent bone dysplasia syndrome 2 (BBDS2). Identifiers: MedGen C5774233, MONDO:0859573, OMIM 620076.
Nephrotic syndrome, IIa 26. Also called: Nephrotic syndrome, type 26. Identifiers: MedGen C5774221, MONDO:0031061, OMIM 620049.

Submission:

Juno Genomics, Hangzhou Juno Genomics, Inc
Classification: Uncertain significance for Bent bone dysplasia syndrome 2; Nephrotic syndrome, IIa 26. Review status: criteria provided, single submitter. Criteria: ACMG Guidelines, 2015. Collection method: clinical testing. Allele origin: germline.
Comment: Absent from controls (or at extremely low frequency if recessive) in Genome Aggregation Database.;Protein length changes due to in-frame deletions/insertions in a non-repeat region or stop-loss variants.

NM_005560.6(LAMA5):c.8309AGCCTG[3] (p.Pro2773_Gly2774insGluPro)

Gene: LAMA5 (laminin subunit alpha 5; minus strand). Cytogenetic location: 20q13.33.
Variant type: Microsatellite.
Coding change: c.8309AGCCTG[3] on transcript NM_005560.6 (MANE Select); three copies in a row of the 6-base unit AGCCTG starting at c.8309; the reference has two copies in a row; one copy, 6 bases duplicated; also written c.8315_8320dup.
Protein change: p.Pro2773_Gly2774insGluPro.
Molecular consequence: inframe insertion.
Genome position (GRCh38, 1-based): chr20:62,314,602-62,314,607, CAGGCT duplicated on the plus strand (AGCCTG on the coding strand, the reverse complement: LAMA5 is on the minus strand); duplicating any 6 consecutive bases within chr20:62,314,602-62,314,614 gives the same sequence; the position shown is the placement nearest the transcript's 3' end. VCF-style (leftmost placement, unchanged base first): chr20-62314601-C-CCAGGCT. GRCh37 (hg19) VCF-style: chr20-60889657-C-CCAGGCT.
Other names: c.8315_8320dup (NM_005560.6).
Identifiers: ClinVar variation 5006400 (VCV005006400.2).
Genomic context (GRCh38, chr20:62,314,601, plus strand): 5'-AGCCAGCCTGGTACCTGGCGGCTGCCCATGTACATCACAAAGCGATCCTCGGTACCCTGC[C>CCAGGCT]CAGGCTCAGGCTCTGGGCCCTGCAGGTAGAACTTGAGGGCAGTGTAGGCAGCAAGGTCGG-3'